The following is an entry in ClinVar:

NM_000492.4(CFTR):c.2962C>T (p.Pro988Ser)

Genes: CFTR (CF transmembrane conductance regulator; plus strand), CFTR-AS2 (CFTR antisense RNA 2; minus strand). Cytogenetic location: 7q31.2.
Variant type: single nucleotide variant.
Coding change: c.2962C>T on transcript NM_000492.4 (MANE Select); coding-DNA position 2962, C replaced by T.
Protein change: p.Pro988Ser; replaces proline 988 with serine.
Molecular consequence: missense variant.
Genome position (GRCh38, 1-based): chr7:117,606,727, C>T. VCF-style: chr7-117606727-C-T. GRCh37 (hg19) VCF-style: chr7-117246781-C-T.
Other names: short protein forms P988S.
Identifiers: ClinVar variation 4651969 (VCV004651969.1).

ClinVar aggregate classification (germline): Uncertain significance (1 of 4 stars; one submission).

Conditions:
Cystic fibrosis (CF). Also called: MUCOVISCIDOSIS. Identifiers: Orphanet 586, MedGen C0010674, MONDO:0009061, OMIM 219700. Disease mechanism: loss of function.

Submission:

Ambry Genetics
Classification: Uncertain significance for Cystic fibrosis. Last evaluated: 2025-12-10. Review status: criteria provided, single submitter. Criteria: Ambry Variant Classification Scheme 2023. Collection method: clinical testing. Allele origin: germline.
Comment: The p.P988S variant (also known as c.2962C>T), located in coding exon 18 of the CFTR gene, results from a C to T substitution at nucleotide position 2962. The proline at codon 988 is replaced by serine, an amino acid with similar properties. This amino acid position is conserved. In addition, this alteration is predicted to be deleterious by in silico analysis. Based on the available evidence, the clinical significance of this variant remains unclear.